The following is an entry in ClinVar:

NM_020937.4(FANCM):c.4594G>A (p.Asp1532Asn)

Gene: FANCM (FA complementation group M; plus strand). Cytogenetic location: 14q21.2.
Variant type: single nucleotide variant.
Coding change: c.4594G>A on transcript NM_020937.4 (MANE Select); coding-DNA position 4594, G replaced by A.
Protein change: p.Asp1532Asn; replaces aspartic acid 1532 with asparagine.
Molecular consequence: missense variant.
Genome position (GRCh38, 1-based): chr14:45,185,295, G>A. VCF-style: chr14-45185295-G-A. GRCh37 (hg19) VCF-style: chr14-45654498-G-A.
Other names: c.4516G>A, p.Asp1506Asn (NM_001308133.2); short protein forms D1506N, D1532N.
Identifiers: ClinVar variation 2825621 (VCV002825621.3), dbSNP rs2503229014, ClinGen allele CA389608237.
Genomic context (GRCh38, chr14:45,185,295, plus strand): 5'-TTAGATGATGAAGCAGAACTTTCTGAAGAAGATGCAGAATATGTTTCATCAGATGAAAAT[G>A]ATGAGTCAGAAAATGAACAAGATTCCTCATTACTTGACTTTTTAAATGATGAAACTCAAC-3'
Protein context (NP_065988.1, residues 1522-1542): DAEYVSSDEN[Asp1532Asn]ESENEQDSSL

ClinVar aggregate classification (germline): Uncertain significance (1 of 4 stars; one submission).

Conditions:
Fanconi anemia (FA). Also called: Fanconi's anemia. Identifiers: Orphanet 84, MedGen C0015625, MeSH D005199, MONDO:0019391.

Submission:

Labcorp Genetics (formerly Invitae), Labcorp
Classification: Uncertain significance for Fanconi anemia. Last evaluated: 2022-12-31. Review status: criteria provided, single submitter. Criteria: Invitae Variant Classification Sherloc (09022015). Collection method: clinical testing. Allele origin: germline.
Comment: This sequence change replaces aspartic acid, which is acidic and polar, with asparagine, which is neutral and polar, at codon 1532 of the FANCM protein (p.Asp1532Asn). This variant is not present in population databases (gnomAD no frequency). This variant has not been reported in the literature in individuals affected with FANCM-related conditions. Algorithms developed to predict the effect of missense changes on protein structure and function output the following: SIFT: "Tolerated"; PolyPhen-2: "Possibly Damaging"; Align-GVGD: "Class C0". The asparagine amino acid residue is found in multiple mammalian species, which suggests that this missense change does not adversely affect protein function. In summary, the available evidence is currently insufficient to determine the role of this variant in disease. Therefore, it has been classified as a Variant of Uncertain Significance.